The following is an entry in ClinVar:

NM_000214.3(JAG1):c.172G>T (p.Ala58Ser)

Gene: JAG1 (jagged canonical Notch ligand 1; minus strand). Cytogenetic location: 20p12.2.
Variant type: single nucleotide variant.
Coding change: c.172G>T on transcript NM_000214.3 (MANE Select); coding-DNA position 172, G replaced by T.
Protein change: p.Ala58Ser; replaces alanine 58 with serine.
Molecular consequence: missense variant.
Genome position (GRCh38, 1-based): chr20:10,672,916, C>A on the plus strand (G>T on the coding strand, the complement: JAG1 is on the minus strand). VCF-style: chr20-10672916-C-A. GRCh37 (hg19) VCF-style: chr20-10653564-C-A.
Other names: short protein forms A58S.
Identifiers: ClinVar variation 3531182 (VCV003531182.1).

ClinVar aggregate classification (germline): Uncertain significance (1 of 4 stars; one submission).

Conditions:
Cardiovascular phenotype. Identifiers: MedGen CN230736.

gnomAD v4.1: 2 of 1,613,158 alleles (0.00012%); highest among the groups gnomAD compares: Non-Finnish European, 0.000085%; no homozygotes.

Submission:

Ambry Genetics
Classification: Uncertain significance for Cardiovascular phenotype. Last evaluated: 2024-10-22. Review status: criteria provided, single submitter. Criteria: Ambry Variant Classification Scheme 2023. Collection method: clinical testing. Allele origin: germline.
Comment: The p.A58S variant (also known as c.172G>T), located in coding exon 2 of the JAG1 gene, results from a G to T substitution at nucleotide position 172. The alanine at codon 58 is replaced by serine, an amino acid with similar properties. This amino acid position is conserved. In addition, this alteration is predicted to be tolerated by in silico analysis. Based on the available evidence, the clinical significance of this variant remains unclear.